The following is an entry in ClinVar:

ClinVar aggregate classification (germline): Likely benign (1 of 4 stars; one submission).

Submission:

Mayo Clinic Laboratories, Mayo Clinic
Classification: Likely benign. Last evaluated: 2025-03-25. Review status: criteria provided, single submitter. Criteria: ACMG Guidelines, 2015. Collection method: clinical testing. Allele origin: germline. Observed: 1 variant allele.
Comment: BP4, BP7

NM_201384.3(PLEC):c.265-8C>T

Gene: PLEC (plectin; minus strand). Cytogenetic location: 8q24.3.
Variant type: single nucleotide variant.
Coding change: c.265-8C>T on transcript NM_201384.3 (MANE Select); 8 bases into the intron before coding-DNA position 265, C replaced by T.
Molecular consequence: intron variant.
Genome position (GRCh38, 1-based): chr8:143,937,250, G>A on the plus strand (C>T on the coding strand, the complement: PLEC is on the minus strand). VCF-style: chr8-143937250-G-A. GRCh37 (hg19) VCF-style: chr8-145011418-G-A.
Other names: p.?; c.346-8C>T (NM_001410941.1, NM_000445.5); c.223-8C>T (NM_201378.4); c.199-8C>T (NM_201379.3); c.676-8C>T (NM_201380.4); c.169-8C>T (NM_201381.3); c.265-8C>T (NM_201382.4); c.277-8C>T (NM_201383.3).
Identifiers: ClinVar variation 4683366 (VCV004683366.1).